The following is an entry in ClinVar:

NM_000059.4(BRCA2):c.4405G>A (p.Asp1469Asn)

Gene: BRCA2 (BRCA2 DNA repair associated; plus strand). Cytogenetic location: 13q13.1.
Variant type: single nucleotide variant.
Coding change: c.4405G>A on transcript NM_000059.4 (MANE Select); coding-DNA position 4405, G replaced by A.
Protein change: p.Asp1469Asn; replaces aspartic acid 1469 with asparagine.
Molecular consequence: missense variant.
Genome position (GRCh38, 1-based): chr13:32,338,760, G>A. VCF-style: chr13-32338760-G-A. GRCh37 (hg19) VCF-style: chr13-32912897-G-A.
Other names: short protein forms D1469N.
Identifiers: ClinVar variation 483077 (VCV000483077.12), dbSNP rs1555283770, ClinGen allele CA387781153.

ClinVar aggregate classification (germline): Conflicting classifications of pathogenicity. Review status: criteria provided, conflicting classifications (1 of 4 stars). 4 submissions from 4 submitters: Uncertain significance (2); Likely benign (2). Last evaluated 2024-05-30.

Conditions:
Hereditary cancer-predisposing syndrome. Also called: Hereditary neoplastic syndrome; Neoplastic Syndromes, Hereditary; Tumor predisposition; Hereditary Cancer Syndrome. Identifiers: Orphanet 140162, MedGen C0027672, MeSH D009386, MONDO:0015356.
Hereditary breast ovarian cancer syndrome. Also called: Hereditary breast and ovarian cancer syndrome (HBOC); Breast and ovarian cancer; Hereditary breast and ovarian cancer syndrome; Hereditary breast and ovarian cancer; Hereditary breast and/or ovarian cancer syndrome; BRCA1- and BRCA2-Associated Hereditary Breast and Ovarian Cancer. Identifiers: Orphanet 145, MedGen C0677776, MeSH D061325, MONDO:0003582. Disease mechanism: loss of function.
Breast-ovarian cancer, familial, susceptibility to, 2 (BROVCA2). Also called: BRCA2 Hereditary Breast and Ovarian Cancer. Identifiers: Orphanet 145, MedGen C2675520, MONDO:0012933, OMIM 612555. Disease mechanism: loss of function.

Submissions (4):

Molecular Pathology, Peter Maccallum Cancer Centre
Classification: Likely benign for Breast-ovarian cancer, familial, susceptibility to, 2. Last evaluated: 2024-05-30. Review status: criteria provided, single submitter. Criteria: ACMG Guidelines, 2015. Collection method: clinical testing. Allele origin: germline. Inheritance: Autosomal dominant inheritance.

University of Washington Department of Laboratory Medicine, University of Washington
Classification: Likely benign for Hereditary cancer-predisposing syndrome. Last evaluated: 2023-03-23. Review status: criteria provided, single submitter. Criteria: Dines et al. (Genet Med. 2020). Collection method: curation. Allele origin: germline.
Comment: Missense variant in a coldspot region where missense variants are very unlikely to be pathogenic (PMID:31911673).

BRCA2 exon 11 coldspot. Reclassification based on statistical prior probability.

Labcorp Genetics (formerly Invitae), Labcorp
Classification: Uncertain significance for Hereditary breast ovarian cancer syndrome. Last evaluated: 2021-08-31. Review status: criteria provided, single submitter. Criteria: Invitae Variant Classification Sherloc (09022015). Collection method: clinical testing. Allele origin: germline.
Comment: This sequence change replaces aspartic acid with asparagine at codon 1469 of the BRCA2 protein (p.Asp1469Asn). The aspartic acid residue is weakly conserved and there is a small physicochemical difference between aspartic acid and asparagine. This variant is not present in population databases (ExAC no frequency). This variant has not been reported in the literature in individuals affected with BRCA2-related conditions. ClinVar contains an entry for this variant (Variation ID: 483077). Advanced modeling of protein sequence and biophysical properties (such as structural, functional, and spatial information, amino acid conservation, physicochemical variation, residue mobility, and thermodynamic stability) performed at Invitae indicates that this missense variant is not expected to disrupt BRCA2 protein function. In summary, the available evidence is currently insufficient to determine the role of this variant in disease. Therefore, it has been classified as a Variant of Uncertain Significance.

Ambry Genetics
Classification: Uncertain significance for Hereditary cancer-predisposing syndrome. Last evaluated: 2017-02-07. Review status: criteria provided, single submitter. Criteria: Ambry Variant Classification Scheme 2023. Collection method: clinical testing. Allele origin: germline.
Comment: The p.D1469N variant (also known as c.4405G>A), located in coding exon 10 of the BRCA2 gene, results from a G to A substitution at nucleotide position 4405. The aspartic acid at codon 1469 is replaced by asparagine, an amino acid with highly similar properties. This amino acid position is poorly conserved in available vertebrate species. In addition, this alteration is predicted to be tolerated by in silico analysis. Since supporting evidence is limited at this time, the clinical significance of this alteration remains unclear.